The following is an entry in ClinVar:

ClinVar aggregate classification (germline): Uncertain significance. Review status: criteria provided, multiple submitters, no conflicts (2 of 4 stars). 2 submissions from 2 submitters: Uncertain significance (2). Last evaluated 2025-09-01.

Conditions:
Inborn genetic diseases. Identifiers: MedGen C0950123, MeSH D030342.

gnomAD v4.1: 4 of 1,614,100 alleles (0.00025%); no homozygotes.

Submissions (2):

Ambry Genetics
Classification: Uncertain significance for Inborn genetic diseases. Last evaluated: 2025-09-01. Review status: criteria provided, single submitter. Criteria: Ambry Variant Classification Scheme 2023. Collection method: clinical testing. Allele origin: germline.

Labcorp Genetics (formerly Invitae), Labcorp
Classification: Uncertain significance. Last evaluated: 2023-06-17. Review status: criteria provided, single submitter. Criteria: Invitae Variant Classification Sherloc (09022015). Collection method: clinical testing. Allele origin: germline.
Comment: This sequence change replaces glycine, which is neutral and non-polar, with arginine, which is basic and polar, at codon 9 of the NEUROD1 protein (p.Gly9Arg). This variant is not present in population databases (gnomAD no frequency). This variant has not been reported in the literature in individuals affected with NEUROD1-related conditions. An algorithm developed to predict the effect of missense changes on protein structure and function (PolyPhen-2) suggests that this variant is likely to be tolerated. In summary, the available evidence is currently insufficient to determine the role of this variant in disease. Therefore, it has been classified as a Variant of Uncertain Significance.

NM_002500.5(NEUROD1):c.25G>C (p.Gly9Arg)

Gene: NEUROD1 (neuronal differentiation 1; minus strand). Cytogenetic location: 2q31.3.
Variant type: single nucleotide variant.
Coding change: c.25G>C on transcript NM_002500.5 (MANE Select); coding-DNA position 25, G replaced by C.
Protein change: p.Gly9Arg; replaces glycine 9 with arginine.
Molecular consequence: missense variant.
Genome position (GRCh38, 1-based): chr2:181,678,836, C>G on the plus strand (G>C on the coding strand, the complement: NEUROD1 is on the minus strand). VCF-style: chr2-181678836-C-G. GRCh37 (hg19) VCF-style: chr2-182543563-C-G.
Other names: c.25G>C (NM_002500.3); short protein forms G9R.
Identifiers: ClinVar variation 2787958 (VCV002787958.4), dbSNP rs2468611382, ClinGen allele CA349787948.
Genomic context (GRCh38, chr2:181,678,836, plus strand): 5'-AACTGAGACACTCGTCTGTCCAGCTTGGAGGACCTTGGGGCTGAGGCTCGCCCATCAGCC[C>G]ACTCTCGCTGTACGATTTGGTCATGTTTCGATTTCCTACATTCAACAAGGGAGAGGCAAA-3'
Protein context (NP_002491.3, residues 1-19): MTKSYSES[Gly9Arg]LMGEPQPQGP